The following is an entry in ClinVar:

ClinVar aggregate classification (germline): Uncertain significance (1 of 4 stars; one submission).

Conditions:
Tuberous sclerosis 2 (TSC2). Identifiers: Orphanet 805, MedGen C1860707, MONDO:0013199, OMIM 613254.

Submission:

Labcorp Genetics (formerly Invitae), Labcorp
Classification: Uncertain significance for Tuberous sclerosis 2. Last evaluated: 2021-08-31. Review status: criteria provided, single submitter. Criteria: Invitae Variant Classification Sherloc (09022015). Collection method: clinical testing. Allele origin: germline.
Comment: This sequence change replaces lysine with arginine at codon 250 of the TSC2 protein (p.Lys250Arg). The lysine residue is highly conserved and there is a small physicochemical difference between lysine and arginine. This variant is not present in population databases (ExAC no frequency). This variant has not been reported in the literature in individuals affected with TSC2-related conditions. Advanced modeling of protein sequence and biophysical properties (such as structural, functional, and spatial information, amino acid conservation, physicochemical variation, residue mobility, and thermodynamic stability) performed at Invitae indicates that this missense variant is not expected to disrupt TSC2 protein function. Algorithms developed to predict the effect of sequence changes on RNA splicing suggest that this variant may create or strengthen a splice site. In summary, the available evidence is currently insufficient to determine the role of this variant in disease. Therefore, it has been classified as a Variant of Uncertain Significance.

NM_000548.5(TSC2):c.749A>G (p.Lys250Arg)

Gene: TSC2 (TSC complex subunit 2; plus strand). Cytogenetic location: 16p13.3.
Variant type: single nucleotide variant.
Coding change: c.749A>G on transcript NM_000548.5 (MANE Select); coding-DNA position 749, A replaced by G.
Protein change: p.Lys250Arg; replaces lysine 250 with arginine.
Molecular consequence: missense variant.
Genome position (GRCh38, 1-based): chr16:2,056,744, A>G. VCF-style: chr16-2056744-A-G. GRCh37 (hg19) VCF-style: chr16-2106745-A-G.
Other names: c.749A>G, p.Lys250Arg (NM_001077183.3, NM_001114382.3, NM_001363528.2 and 3 more transcripts); c.638A>G, p.Lys213Arg (NM_001318827.2); c.602A>G, p.Lys201Arg (NM_001318829.2); c.149A>G, p.Lys50Arg (NM_001318831.2); c.782A>G, p.Lys261Arg (NM_001318832.2); short protein forms K201R, K250R, K261R, K50R, K213R.
Identifiers: ClinVar variation 1378871 (VCV001378871.3), dbSNP rs2151081016, ClinGen allele CA394312775.